The following is an entry in ClinVar:

ClinVar aggregate classification (germline): Uncertain significance. Review status: criteria provided, multiple submitters, no conflicts (2 of 4 stars). 2 submissions from 2 submitters: Uncertain significance (2). Last evaluated 2025-12-26.

Conditions:
FOCAD-related disorder. Also called: FOCAD-related condition.

Allele frequency attached by ClinVar (database versions not stated): ExAC 0.00039; TOPMed 0.00044; gnomAD exomes 0.00080; gnomAD 0.00050; ESP Exome Variant Server 0.00092.
gnomAD v4.1: 1,239 of 1,613,980 alleles (0.077%); highest among the groups gnomAD compares: Non-Finnish European, 0.099%; 2 homozygotes.

Submissions (2):

Labcorp Genetics (formerly Invitae), Labcorp
Classification: Uncertain significance. Last evaluated: 2025-12-26. Review status: criteria provided, single submitter. Criteria: Invitae Variant Classification Sherloc (09022015). Collection method: clinical testing. Allele origin: germline.
Comment: This sequence change replaces glutamine, which is neutral and polar, with glutamic acid, which is acidic and polar, at codon 1155 of the FOCAD protein (p.Gln1155Glu). This variant is present in population databases (rs141832071, gnomAD 0.07%), and has an allele count higher than expected for a pathogenic variant. This variant has not been reported in the literature in individuals affected with FOCAD-related conditions. ClinVar contains an entry for this variant (Variation ID: 2634191). Experimental studies and prediction algorithms are not available or were not evaluated, and the functional significance of this variant is currently unknown. In summary, the available evidence is currently insufficient to determine the role of this variant in disease. Therefore, it has been classified as a Variant of Uncertain Significance.

PreventionGenetics, part of Exact Sciences
Classification: Uncertain significance for FOCAD-related condition. Last evaluated: 2023-08-18. Review status: criteria provided, single submitter. Criteria: ACMG Guidelines, 2015. Collection method: clinical testing. Allele origin: germline.
Comment: The FOCAD c.3463C>G variant is predicted to result in the amino acid substitution p.Gln1155Glu. To our knowledge, this variant has not been reported in the literature. This variant is reported in 0.072% of alleles in individuals of European (Non-Finnish) descent in gnomAD. At this time, the clinical significance of this variant is uncertain due to the absence of conclusive functional and genetic evidence.

NM_001375567.1(FOCAD):c.3463C>G (p.Gln1155Glu)

Gene: FOCAD (focadhesin; plus strand). Cytogenetic location: 9p21.3.
Variant type: single nucleotide variant.
Coding change: c.3463C>G on transcript NM_001375567.1 (MANE Select); coding-DNA position 3463, C replaced by G.
Protein change: p.Gln1155Glu; replaces glutamine 1155 with glutamic acid.
Molecular consequence: missense variant.
Genome position (GRCh38, 1-based): chr9:20,944,682, C>G. VCF-style: chr9-20944682-C-G. GRCh37 (hg19) VCF-style: chr9-20944681-C-G.
Other names: c.3358C>G, p.Gln1120Glu (NM_001375568.1, NM_001375570.1); c.3463C>G, p.Gln1155Glu (NM_017794.5); short protein forms Q1120E, Q1155E.
Identifiers: ClinVar variation 2634191 (VCV002634191.3), dbSNP rs141832071, ClinGen allele CA5007561.